The following is an entry in ClinVar:

ClinVar aggregate classification (germline): Uncertain significance (1 of 4 stars; one submission).

Conditions:
Ullrich congenital muscular dystrophy 2 (UCMD2). Identifiers: Orphanet 75840, MedGen C4225314, MONDO:0014654, OMIM 616470.
Bethlem myopathy 2 (BTHLM2). Identifiers: Orphanet 536516, Orphanet 610, MedGen C4225313, MONDO:0034022, OMIM 616471.

Allele frequency attached by ClinVar (database versions not stated): gnomAD exomes 0.00001.

Submission:

Labcorp Genetics (formerly Invitae), Labcorp
Classification: Uncertain significance for Bethlem myopathy 2; Ullrich congenital muscular dystrophy 2. Last evaluated: 2025-10-28. Review status: criteria provided, single submitter. Criteria: Invitae Variant Classification Sherloc (09022015). Collection method: clinical testing. Allele origin: germline.
Comment: This sequence change replaces tyrosine, which is neutral and polar, with cysteine, which is neutral and slightly polar, at codon 1455 of the COL12A1 protein (p.Tyr1455Cys). This variant is not present in population databases (gnomAD no frequency). This variant has not been reported in the literature in individuals affected with COL12A1-related conditions. ClinVar contains an entry for this variant (Variation ID: 645448). Invitae Evidence Modeling of protein sequence and biophysical properties (such as structural, functional, and spatial information, amino acid conservation, physicochemical variation, residue mobility, and thermodynamic stability) has been performed for this missense variant. However, the output from this modeling did not meet the statistical confidence thresholds required to predict the impact of this variant on COL12A1 protein function. In summary, the available evidence is currently insufficient to determine the role of this variant in disease. Therefore, it has been classified as a Variant of Uncertain Significance.

NM_004370.6(COL12A1):c.4364A>G (p.Tyr1455Cys)

Gene: COL12A1 (collagen type XII alpha 1 chain; minus strand). Cytogenetic location: 6q13.
Variant type: single nucleotide variant.
Coding change: c.4364A>G on transcript NM_004370.6 (MANE Select); coding-DNA position 4364, A replaced by G.
Protein change: p.Tyr1455Cys; replaces tyrosine 1455 with cysteine.
Molecular consequence: missense variant.
Genome position (GRCh38, 1-based): chr6:75,147,728, T>C on the plus strand (A>G on the coding strand, the complement: COL12A1 is on the minus strand). VCF-style: chr6-75147728-T-C. GRCh37 (hg19) VCF-style: chr6-75857444-T-C.
Other names: c.872A>G, p.Tyr291Cys (NM_080645.3); short protein forms Y1455C, Y291C.
Identifiers: ClinVar variation 645448 (VCV000645448.11), dbSNP rs1582131685, ClinGen allele CA364744628.